The following is an entry in ClinVar:

ClinVar aggregate classification (germline): Uncertain significance. Review status: criteria provided, multiple submitters, no conflicts (2 of 4 stars). 3 submissions from 3 submitters: Uncertain significance (3). Last evaluated 2025-08-23.

Conditions:
Inborn genetic diseases. Identifiers: MedGen C0950123, MeSH D030342.
Baller-Gerold syndrome (BGS). Also called: CRANIOSYNOSTOSIS WITH RADIAL DEFECTS. Identifiers: Orphanet 1225, MedGen C0265308, MONDO:0009039, OMIM 218600.

Allele frequency attached by ClinVar (database versions not stated): TOPMed below 0.00001; gnomAD 0.00001.

Submissions (3):

Ambry Genetics
Classification: Uncertain significance for Inborn genetic diseases. Last evaluated: 2025-08-23. Review status: criteria provided, single submitter. Criteria: Ambry Variant Classification Scheme 2023. Collection method: clinical testing. Allele origin: germline.
Comment: The p.A743T variant (also known as c.2227G>A), located in coding exon 14 of the RECQL4 gene, results from a G to A substitution at nucleotide position 2227. The alanine at codon 743 is replaced by threonine, an amino acid with similar properties. This amino acid position is conserved. In addition, the in silico prediction for this alteration is inconclusive. Based on the available evidence, the clinical significance of this variant remains unclear.

Blueprint Genetics
Classification: Uncertain significance. Last evaluated: 2024-02-02. Review status: criteria provided, single submitter. Criteria: ACMG Guidelines, 2015. Collection method: clinical testing. Allele origin: germline.

Labcorp Genetics (formerly Invitae), Labcorp
Classification: Uncertain significance for Baller-Gerold syndrome. Last evaluated: 2020-05-10. Review status: criteria provided, single submitter. Criteria: Invitae Variant Classification Sherloc (09022015). Collection method: clinical testing. Allele origin: germline.
Comment: Experimental studies and prediction algorithms are not available or were not evaluated, and the functional significance of this variant is currently unknown. In summary, the available evidence is currently insufficient to determine the role of this variant in disease. Therefore, it has been classified as a Variant of Uncertain Significance. This variant has not been reported in the literature in individuals with RECQL4-related conditions. This sequence change replaces alanine with threonine at codon 743 of the RECQL4 protein (p.Ala743Thr). The alanine residue is highly conserved and there is a small physicochemical difference between alanine and threonine. This variant is not present in population databases (ExAC no frequency).

NM_004260.4(RECQL4):c.2227G>A (p.Ala743Thr)

Gene: RECQL4 (RecQ like helicase 4; minus strand). Cytogenetic location: 8q24.3.
Variant type: single nucleotide variant.
Coding change: c.2227G>A on transcript NM_004260.4 (MANE Select); coding-DNA position 2227, G replaced by A.
Protein change: p.Ala743Thr; replaces alanine 743 with threonine.
Molecular consequence: missense variant.
Genome position (GRCh38, 1-based): chr8:144,513,454, C>T on the plus strand (G>A on the coding strand, the complement: RECQL4 is on the minus strand). VCF-style: chr8-144513454-C-T. GRCh37 (hg19) VCF-style: chr8-145738838-C-T.
Other names: c.2227G>A (NM_004260.3); short protein forms A743T.
Identifiers: ClinVar variation 1062008 (VCV001062008.5), dbSNP rs1763223517, ClinGen allele CA372678527.
Genomic context (GRCh38, chr8:144,513,454, plus strand): 5'-CCTGCATGAAGGCTCGCTGTACCCGCCGCCGTTCCCGGCTGCACATGCCCGCGTGGTAGG[C>T]CTCGGCTGTGGTTTTGGGGGCACGACCTTTGGGGAAGACAGGCAGATGGTCAGTGGGATG-3'
Protein context (NP_004251.4, residues 733-753): GGRAPKTTAE[Ala743Thr]YHAGMCSRER